The following is an entry in ClinVar:

NM_022051.3(EGLN1):c.434G>C (p.Gly145Ala)

Gene: EGLN1 (egl-9 family hypoxia inducible factor 1; minus strand). Cytogenetic location: 1q42.2.
Variant type: single nucleotide variant.
Coding change: c.434G>C on transcript NM_022051.3 (MANE Select); coding-DNA position 434, G replaced by C.
Protein change: p.Gly145Ala; replaces glycine 145 with alanine.
Molecular consequence: missense variant.
Genome position (GRCh38, 1-based): chr1:231,421,455, C>G on the plus strand (G>C on the coding strand, the complement: EGLN1 is on the minus strand). VCF-style: chr1-231421455-C-G. GRCh37 (hg19) VCF-style: chr1-231557201-C-G.
Other names: c.434G>C, p.Gly145Ala (NM_001377260.1, NM_001377261.1); short protein forms G145A.
Identifiers: ClinVar variation 1739927 (VCV001739927.2), dbSNP rs1656596897, ClinGen allele CA345237041.

ClinVar aggregate classification (germline): Uncertain significance (1 of 4 stars; one submission).

Submission:

Ambry Genetics
Classification: Uncertain significance. Last evaluated: 2022-02-05. Review status: criteria provided, single submitter. Criteria: Ambry Variant Classification Scheme 2023. Collection method: clinical testing. Allele origin: germline.
Comment: The p.G145A variant (also known as c.434G>C), located in coding exon 1 of the EGLN1 gene, results from a G to C substitution at nucleotide position 434. The glycine at codon 145 is replaced by alanine, an amino acid with similar properties. This amino acid position is conserved. In addition, this alteration is predicted to be tolerated by in silico analysis. Since supporting evidence is limited at this time, the clinical significance of this alteration remains unclear.